The following is an entry in ClinVar:

NM_000093.5(COL5A1):c.2951C>G (p.Thr984Ser)

Gene: COL5A1 (collagen type V alpha 1 chain; plus strand). Cytogenetic location: 9q34.3.
Variant type: single nucleotide variant.
Coding change: c.2951C>G on transcript NM_000093.5 (MANE Select); coding-DNA position 2951, C replaced by G.
Protein change: p.Thr984Ser; replaces threonine 984 with serine.
Molecular consequence: missense variant.
Genome position (GRCh38, 1-based): chr9:134,798,460, C>G. VCF-style: chr9-134798460-C-G. GRCh37 (hg19) VCF-style: chr9-137690306-C-G.
Other names: c.2951C>G (NM_000093.3); c.2951C>G, p.Thr984Ser (NM_001278074.1); short protein forms T984S.
Identifiers: ClinVar variation 862264 (VCV000862264.14), dbSNP rs1205167823, ClinGen allele CA375457710.

ClinVar aggregate classification (germline): Uncertain significance. Review status: criteria provided, multiple submitters, no conflicts (2 of 4 stars). 4 submissions from 4 submitters: Uncertain significance (4). Last evaluated 2026-01-11.

Conditions:
Familial thoracic aortic aneurysm and aortic dissection (TAAD). Also called: Thoracic aortic aneurysms and dissections. Identifiers: Orphanet 91387, MedGen C4707243, MONDO:0019625.
Ehlers-Danlos syndrome, classic type, 1 (EDSCL1). Also called: Ehlers-Danlos syndrome, type 1; Ehlers-Danlos Syndrome, Classic Type, COL5A1-Related; EDS I; EHLERS-DANLOS SYNDROME, GRAVIS TYPE; EHLERS-DANLOS SYNDROME, SEVERE CLASSIC TYPE. Identifiers: MedGen C0268335, MONDO:0019567, OMIM 130000.
Fibromuscular dysplasia, multifocal. Identifiers: MedGen C5543412, MONDO:0859151, OMIM 619329.

Allele frequency attached by ClinVar (database versions not stated): TOPMed below 0.00001; gnomAD 0.00001.
gnomAD v4.1: 7 of 1,613,946 alleles (0.00043%); highest among the groups gnomAD compares: Non-Finnish European, 0.00059%; no homozygotes.

Submissions (4):

Labcorp Genetics (formerly Invitae), Labcorp
Classification: Uncertain significance for Ehlers-Danlos syndrome, classic type, 1. Last evaluated: 2026-01-11. Review status: criteria provided, single submitter. Criteria: Invitae Variant Classification Sherloc (09022015). Collection method: clinical testing. Allele origin: germline.
Comment: This sequence change replaces threonine, which is neutral and polar, with serine, which is neutral and polar, at codon 984 of the COL5A1 protein (p.Thr984Ser). This variant is present in population databases (no rsID available, gnomAD 0.0009%). This variant has not been reported in the literature in individuals affected with COL5A1-related conditions. ClinVar contains an entry for this variant (Variation ID: 862264). Experimental studies and prediction algorithms are not available or were not evaluated, and the functional significance of this variant is currently unknown. In summary, the available evidence is currently insufficient to determine the role of this variant in disease. Therefore, it has been classified as a Variant of Uncertain Significance.

Ambry Genetics
Classification: Uncertain significance for Familial thoracic aortic aneurysm and aortic dissection. Last evaluated: 2025-02-12. Review status: criteria provided, single submitter. Criteria: Ambry Variant Classification Scheme 2023. Collection method: clinical testing. Allele origin: germline.
Comment: The p.T984S variant (also known as c.2951C>G), located in coding exon 37 of the COL5A1 gene, results from a C to G substitution at nucleotide position 2951. The threonine at codon 984 is replaced by serine, an amino acid with similar properties. This amino acid position is highly conserved in available vertebrate species. In addition, this alteration is predicted to be tolerated by in silico analysis. Based on the available evidence, the clinical significance of this variant remains unclear.

GeneDx
Classification: Uncertain significance. Last evaluated: 2023-06-16. Review status: criteria provided, single submitter. Criteria: GeneDx Variant Classification Process June 2021. Collection method: clinical testing. Allele origin: germline. Affected: yes.
Comment: Not observed at significant frequency in large population cohorts (gnomAD); Occurs in the triple helical domain at the Y position in the canonical Gly-X-Y repeat; although this variant may have an effect on normal protein folding and function, missense substitution at the Y position is not a common mechanism of disease (Symoens et al., 2012; HGMD); In silico analysis supports that this missense variant does not alter protein structure/function; Has not been previously published as pathogenic or benign to our knowledge; This variant is associated with the following publications: (PMID: 22696272)

Fulgent Genetics
Classification: Uncertain significance for Ehlers-Danlos syndrome, classic type, 1; Fibromuscular dysplasia, multifocal. Last evaluated: 2021-11-02. Review status: criteria provided, single submitter. Criteria: ACMG Guidelines, 2015. Collection method: clinical testing. Allele origin: unknown.